The following is an entry in ClinVar:

NM_000092.5(COL4A4):c.3389G>A (p.Gly1130Glu)

Gene: COL4A4 (collagen type IV alpha 4 chain; minus strand). Cytogenetic location: 2q36.3.
Variant type: single nucleotide variant.
Coding change: c.3389G>A on transcript NM_000092.5 (MANE Select); coding-DNA position 3389, G replaced by A.
Protein change: p.Gly1130Glu; replaces glycine 1130 with glutamic acid.
Molecular consequence: missense variant.
Genome position (GRCh38, 1-based): chr2:227,043,085, C>T on the plus strand (G>A on the coding strand, the complement: COL4A4 is on the minus strand). VCF-style: chr2-227043085-C-T. GRCh37 (hg19) VCF-style: chr2-227907801-C-T.
Other names: short protein forms G1130E.
Identifiers: ClinVar variation 3677025 (VCV003677025.2).

ClinVar aggregate classification (germline): Uncertain significance (1 of 4 stars; one submission).

Submission:

Labcorp Genetics (formerly Invitae), Labcorp
Classification: Uncertain significance. Last evaluated: 2024-05-06. Review status: criteria provided, single submitter. Criteria: Invitae Variant Classification Sherloc (09022015). Collection method: clinical testing. Allele origin: germline.
Comment: This sequence change replaces glycine, which is neutral and non-polar, with glutamic acid, which is acidic and polar, at codon 1130 of the COL4A4 protein (p.Gly1130Glu). This variant is not present in population databases (gnomAD no frequency). This missense change has been observed in individual(s) with Alport syndrome (PMID: 33040356). Advanced modeling of protein sequence and biophysical properties (such as structural, functional, and spatial information, amino acid conservation, physicochemical variation, residue mobility, and thermodynamic stability) performed at Invitae indicates that this missense variant is expected to disrupt COL4A4 protein function with a positive predictive value of 95%. In summary, the available evidence is currently insufficient to determine the role of this variant in disease. Therefore, it has been classified as a Variant of Uncertain Significance.

Literature cited by the submitters: PubMed 33040356.